The following is an entry in ClinVar:

ClinVar aggregate classification (germline): Uncertain significance (1 of 4 stars; one submission).

gnomAD v4.1: 1 of 1,606,822 alleles (0.000062%); highest among the groups gnomAD compares: East Asian, 0.0022%; no homozygotes.

Submission:

GeneDx
Classification: Uncertain significance. Last evaluated: 2025-03-27. Review status: criteria provided, single submitter. Criteria: GeneDx Variant Classification Process June 2021. Collection method: clinical testing. Allele origin: germline. Affected: yes.
Comment: In silico analysis supports a deleterious effect on splicing; Has not been previously published as pathogenic or benign to our knowledge

NM_014975.3(MAST1):c.565-5C>A

Genes: MAST1 (microtubule associated serine/threonine kinase 1; plus strand), LOC117125587 (CRISPRi-FlowFISH-validated KLF1 and PRDX2 regulatory element; plus strand). Cytogenetic location: 19p13.13.
Variant type: single nucleotide variant.
Coding change: c.565-5C>A on transcript NM_014975.3 (MANE Select); 5 bases into the intron before coding-DNA position 565, C replaced by A.
Molecular consequence: intron variant.
Genome position (GRCh38, 1-based): chr19:12,847,843, C>A. VCF-style: chr19-12847843-C-A. GRCh37 (hg19) VCF-style: chr19-12958657-C-A.
Identifiers: ClinVar variation 4278669 (VCV004278669.1).